The following is an entry in ClinVar:

ClinVar aggregate classification (germline): Pathogenic (1 of 4 stars; one submission).

Conditions:
Bloom syndrome (BLM). Also called: Bloom-Torre-Machacek syndrome. Identifiers: Orphanet 125, MedGen C0005859, MONDO:0008876, OMIM 210900.

Submission:

Labcorp Genetics (formerly Invitae), Labcorp
Classification: Pathogenic for Bloom syndrome. Last evaluated: 2023-08-17. Review status: criteria provided, single submitter. Criteria: Invitae Variant Classification Sherloc (09022015). Collection method: clinical testing. Allele origin: germline.
Comment: For these reasons, this variant has been classified as Pathogenic. ClinVar contains an entry for this variant (Variation ID: 643228). This variant has not been reported in the literature in individuals affected with BLM-related conditions. This variant is not present in population databases (gnomAD no frequency). This sequence change creates a premature translational stop signal (p.Asp207Ilefs*12) in the BLM gene. It is expected to result in an absent or disrupted protein product. Loss-of-function variants in BLM are known to be pathogenic (PMID: 17407155).

Literature cited by the submitters: PubMed 17407155.

NM_000057.4(BLM):c.619del (p.Asp207fs)

Gene: BLM (BLM RecQ like helicase; plus strand). Cytogenetic location: 15q26.1.
Variant type: Deletion.
Coding change: c.619del on transcript NM_000057.4 (MANE Select); coding-DNA position 619, one base deleted (G; older notation c.619delG).
Protein change: p.Asp207fs; shifts the reading frame from aspartic acid 207.
Molecular consequence: frameshift variant. On other transcripts: 5 prime UTR variant (1).
Genome position (GRCh38, 1-based): chr15:90,749,887, G deleted. VCF-style (leftmost placement, unchanged base first): chr15-90749886-TG-T. GRCh37 (hg19) VCF-style: chr15-91293116-TG-T.
Other names: c.619del, p.Asp207fs (NM_001287246.2, NM_001287247.2); c.-673del (NM_001287248.2); short protein forms D207fs.
Identifiers: ClinVar variation 643228 (VCV000643228.7), dbSNP rs1596218981, ClinGen allele CA915946143.